The following is an entry in ClinVar:

ClinVar aggregate classification (germline): Uncertain significance (1 of 4 stars; one submission).

Conditions:
Diffuse cerebral and cerebellar atrophy - intractable seizures - progressive microcephaly syndrome. Also called: Microcephaly, progressive, with seizures and cerebral and cerebellar atrophy. Identifiers: Orphanet 404437, MedGen C4014239, MONDO:0014335, OMIM 615760.

Allele frequency attached by ClinVar (database versions not stated): gnomAD exomes below 0.00001.

Submission:

Labcorp Genetics (formerly Invitae), Labcorp
Classification: Uncertain significance for Diffuse cerebral and cerebellar atrophy - intractable seizures - progressive microcephaly syndrome. Last evaluated: 2022-07-26. Review status: criteria provided, single submitter. Criteria: Invitae Variant Classification Sherloc (09022015). Collection method: clinical testing. Allele origin: germline.
Comment: This sequence change replaces methionine, which is neutral and non-polar, with valine, which is neutral and non-polar, at codon 171 of the QARS protein (p.Met171Val). This variant is not present in population databases (gnomAD no frequency). This variant has not been reported in the literature in individuals affected with QARS-related conditions. ClinVar contains an entry for this variant (Variation ID: 1523983). Algorithms developed to predict the effect of missense changes on protein structure and function (SIFT, PolyPhen-2, Align-GVGD) all suggest that this variant is likely to be tolerated. In summary, the available evidence is currently insufficient to determine the role of this variant in disease. Therefore, it has been classified as a Variant of Uncertain Significance.

NM_005051.3(QARS1):c.511A>G (p.Met171Val)

Gene: QARS1 (glutaminyl-tRNA synthetase 1; minus strand). Cytogenetic location: 3p21.31.
Variant type: single nucleotide variant.
Coding change: c.511A>G on transcript NM_005051.3 (MANE Select); coding-DNA position 511, A replaced by G.
Protein change: p.Met171Val; replaces methionine 171 with valine.
Molecular consequence: missense variant. On other transcripts: non-coding transcript variant (1).
Genome position (GRCh38, 1-based): chr3:49,103,350, T>C on the plus strand (A>G on the coding strand, the complement: QARS1 is on the minus strand). VCF-style: chr3-49103350-T-C. GRCh37 (hg19) VCF-style: chr3-49140783-T-C.
Other names: c.478A>G, p.Met160Val (NM_001272073.2); short protein forms M171V, M160V.
Identifiers: ClinVar variation 1523983 (VCV001523983.8), dbSNP rs2107111057, ClinGen allele CA352718386.